The following is an entry in ClinVar:

NM_007078.3(LDB3):c.573G>T (p.Gln191His)

Gene: LDB3 (LIM domain binding 3; plus strand). Cytogenetic location: 10q23.2.
Variant type: single nucleotide variant.
Coding change: c.573G>T on transcript NM_007078.3 (MANE Select); coding-DNA position 573, G replaced by T.
Protein change: p.Gln191His; replaces glutamine 191 with histidine.
Molecular consequence: missense variant. On other transcripts: intron variant (5).
Genome position (GRCh38, 1-based): chr10:86,681,687, G>T. VCF-style: chr10-86681687-G-T. GRCh37 (hg19) VCF-style: chr10-88441444-G-T.
Other names: c.573G>T, p.Gln191His (NM_001080115.2, NM_001171610.2, NM_001171611.2 and 3 more transcripts); c.321+1530G>T (NM_001368068.1, NM_001368066.1, NM_001080114.2 and 2 more transcripts); short protein forms Q191H.
Identifiers: ClinVar variation 2625898 (VCV002625898.4), dbSNP rs1405884886, ClinGen allele CA377454823.

ClinVar aggregate classification (germline): Uncertain significance. Review status: criteria provided, multiple submitters, no conflicts (2 of 4 stars). 2 submissions from 2 submitters: Uncertain significance (2). Last evaluated 2024-10-02.

Conditions:
Cardiovascular phenotype. Identifiers: MedGen CN230736.
Myofibrillar myopathy 4. Also called: Zaspopathy (type). Identifiers: Orphanet 98912, MedGen C4721886, MONDO:0012277, OMIM 609452.

Submissions (2):

Labcorp Genetics (formerly Invitae), Labcorp
Classification: Uncertain significance for Myofibrillar myopathy 4. Last evaluated: 2024-10-02. Review status: criteria provided, single submitter. Criteria: Invitae Variant Classification Sherloc (09022015). Collection method: clinical testing. Allele origin: germline.
Comment: The LDB3 gene has multiple clinically relevant transcripts. This variant occurs in alternate transcript NM_007078.3, and corresponds to NM_001080116.1:c.321+1530G>T in the primary transcript. This sequence change replaces glutamine, which is neutral and polar, with histidine, which is basic and polar, at codon 191 of the LDB3 protein (p.Gln191His). This variant is not present in population databases (gnomAD no frequency). This variant has not been reported in the literature in individuals affected with LDB3-related conditions. ClinVar contains an entry for this variant (Variation ID: 2625898). Algorithms developed to predict the effect of sequence changes on RNA splicing suggest that this variant is not likely to affect RNA splicing. In summary, the available evidence is currently insufficient to determine the role of this variant in disease. Therefore, it has been classified as a Variant of Uncertain Significance.

Ambry Genetics
Classification: Uncertain significance for Cardiovascular phenotype. Last evaluated: 2023-08-29. Review status: criteria provided, single submitter. Criteria: Ambry Variant Classification Scheme 2023. Collection method: clinical testing. Allele origin: germline.
Comment: The p.Q191H variant (also known as c.573G>T), located in coding exon 4 of the LDB3 gene, results from a G to T substitution at nucleotide position 573. The glutamine at codon 191 is replaced by histidine, an amino acid with highly similar properties. This amino acid position is conserved. In addition, this alteration is predicted to be tolerated by in silico analysis. Since supporting evidence is limited at this time, the clinical significance of this alteration remains unclear.